The following is an entry in ClinVar:

NM_139076.3(ABRAXAS1):c.1035G>A (p.Lys345=)

Gene: ABRAXAS1 (abraxas 1, BRCA1 A complex subunit; minus strand). Cytogenetic location: 4q21.23.
Variant type: single nucleotide variant.
Coding change: c.1035G>A on transcript NM_139076.3 (MANE Select); coding-DNA position 1035, G replaced by A.
Protein change: p.Lys345=; no amino-acid change (lysine 345 retained).
Molecular consequence: synonymous variant.
Genome position (GRCh38, 1-based): chr4:83,462,664, C>T on the plus strand (G>A on the coding strand, the complement: ABRAXAS1 is on the minus strand). VCF-style: chr4-83462664-C-T. GRCh37 (hg19) VCF-style: chr4-84383817-C-T.
Other names: c.1035G>A (NM_139076.2); c.708G>A, p.Lys236= (NM_001345962.2).
Identifiers: ClinVar variation 1139663 (VCV001139663.34), dbSNP rs1236290730, ClinGen allele CA440234683.

ClinVar aggregate classification (germline): Likely benign. Review status: criteria provided, multiple submitters, no conflicts (2 of 4 stars). 3 submissions from 3 submitters: Likely benign (3). Last evaluated 2024-04-15.

Allele frequency attached by ClinVar (database versions not stated): gnomAD exomes below 0.00001; gnomAD 0.00001; TOPMed 0.00001.
gnomAD v4.1: 3 of 1,613,830 alleles (0.00019%); highest among the groups gnomAD compares: African/African-American, 0.0013%; no homozygotes.

Submissions (3):

Labcorp Genetics (formerly Invitae), Labcorp
Classification: Likely benign. Last evaluated: 2024-04-15. Review status: criteria provided, single submitter. Criteria: Invitae Variant Classification Sherloc (09022015). Collection method: clinical testing. Allele origin: germline.

CeGaT Center for Human Genetics Tuebingen
Classification: Likely benign. Last evaluated: 2023-01-01. Review status: criteria provided, single submitter. Criteria: CeGaT Center For Human Genetics Tuebingen Variant Classification Criteria Version 2. Collection method: clinical testing. Allele origin: germline. Affected: yes. Observed: 1 variant allele.
Comment: ABRAXAS1: BP4, BP7

Ambry Genetics
Classification: Likely benign. Last evaluated: 2022-11-10. Review status: criteria provided, single submitter. Criteria: Ambry Variant Classification Scheme 2023. Collection method: clinical testing. Allele origin: germline.